The following is an entry in ClinVar:

ClinVar aggregate classification (germline): Uncertain significance. Review status: criteria provided, multiple submitters, no conflicts (2 of 4 stars). 2 submissions from 2 submitters: Uncertain significance (2). Last evaluated 2025-02-19.

Conditions:
Hereditary cancer-predisposing syndrome. Also called: Neoplastic Syndromes, Hereditary; Tumor predisposition; Hereditary Cancer Syndrome; Hereditary neoplastic syndrome. Identifiers: Orphanet 140162, MedGen C0027672, MeSH D009386, MONDO:0015356.
Familial adenomatous polyposis 1 (FAP1). Also called: FAMILIAL ADENOMATOUS POLYPOSIS 1, ATTENUATED; POLYPOSIS, ADENOMATOUS INTESTINAL. Identifiers: MedGen C2713442, MONDO:0021056, OMIM 175100. Disease mechanism: loss of function.

Submissions (2):

Labcorp Genetics (formerly Invitae), Labcorp
Classification: Uncertain significance for Familial adenomatous polyposis 1. Last evaluated: 2025-02-19. Review status: criteria provided, single submitter. Criteria: Invitae Variant Classification Sherloc (09022015). Collection method: clinical testing. Allele origin: germline.
Comment: This sequence change replaces arginine, which is basic and polar, with isoleucine, which is neutral and non-polar, at codon 2311 of the APC protein (p.Arg2311Ile). This variant is not present in population databases (gnomAD no frequency). This variant has not been reported in the literature in individuals affected with APC-related conditions. ClinVar contains an entry for this variant (Variation ID: 1756217). Invitae Evidence Modeling of protein sequence and biophysical properties (such as structural, functional, and spatial information, amino acid conservation, physicochemical variation, residue mobility, and thermodynamic stability) indicates that this missense variant is not expected to disrupt APC protein function with a negative predictive value of 95%. In summary, the available evidence is currently insufficient to determine the role of this variant in disease. Therefore, it has been classified as a Variant of Uncertain Significance.

Ambry Genetics
Classification: Uncertain significance for Hereditary cancer-predisposing syndrome. Last evaluated: 2022-09-27. Review status: criteria provided, single submitter. Criteria: Ambry Variant Classification Scheme 2023. Collection method: clinical testing. Allele origin: germline.
Comment: The p.R2311I variant (also known as c.6932G>T), located in coding exon 15 of the APC gene, results from a G to T substitution at nucleotide position 6932. The arginine at codon 2311 is replaced by isoleucine, an amino acid with similar properties. This amino acid position is conserved. In addition, in silico predictors for this gene do not accurately predict pathogenicity. Since supporting evidence is limited at this time, the clinical significance of this alteration remains unclear.

NM_000038.6(APC):c.6932G>T (p.Arg2311Ile)

Gene: APC (APC regulator of Wnt signaling pathway; plus strand). Cytogenetic location: 5q22.2.
Variant type: single nucleotide variant.
Coding change: c.6932G>T on transcript NM_000038.6 (MANE Select); coding-DNA position 6932, G replaced by T.
Protein change: p.Arg2311Ile; replaces arginine 2311 with isoleucine.
Molecular consequence: missense variant.
Genome position (GRCh38, 1-based): chr5:112,842,526, G>T. VCF-style: chr5-112842526-G-T. GRCh37 (hg19) VCF-style: chr5-112178223-G-T.
Other names: c.6932G>T, p.Arg2311Ile (NM_001127510.3, NM_001354895.2, NM_001407450.1); c.6878G>T, p.Arg2293Ile (NM_001127511.3); c.6986G>T, p.Arg2329Ile (NM_001354896.2, NM_001407447.1, NM_001407448.1 and 1 more transcripts); c.6962G>T, p.Arg2321Ile (NM_001354897.2); c.6857G>T, p.Arg2286Ile (NM_001354898.2); c.6848G>T, p.Arg2283Ile (NM_001354899.2); c.6809G>T, p.Arg2270Ile (NM_001354900.2); c.6755G>T, p.Arg2252Ile (NM_001354901.2, NM_001407453.1); and 11 more; short protein forms R2028I, R2182I, R2228I, R2329I, R2339I, R1927I, R2210I, R2220I.
Identifiers: ClinVar variation 1756217 (VCV001756217.5), dbSNP rs878853468, ClinGen allele CA16036450.